The following is an entry in ClinVar:

ClinVar aggregate classification (germline): Likely benign (0 of 4 stars; one submission).

Conditions:
FHIT-related disorder. Also called: FHIT-related condition.

Allele frequency attached by ClinVar (database versions not stated): gnomAD exomes 0.00039; 1000 Genomes Project 0.00399; gnomAD 0.00414; 1000 Genomes Project 30x 0.00453; TOPMed 0.00475.
gnomAD v4.1: 1,214 of 1,551,756 alleles (0.078%); highest among the groups gnomAD compares: African/African-American, 1.5%; 14 homozygotes.

Submission:

PreventionGenetics, part of Exact Sciences
Classification: Likely benign for FHIT-related condition. Last evaluated: 2020-04-27. Review status: no assertion criteria provided. Collection method: clinical testing. Allele origin: germline.
Comment: This variant is classified as likely benign based on ACMG/AMP sequence variant interpretation guidelines (Richards et al. 2015 PMID: 25741868, with internal and published modifications).

NM_002012.4(FHIT):c.104-64T>C

Gene: FHIT (fragile histidine triad diadenosine triphosphatase; minus strand). Cytogenetic location: 3p14.2.
Variant type: single nucleotide variant.
Coding change: c.104-64T>C on transcript NM_002012.4 (MANE Select); 64 bases into the intron before coding-DNA position 104, T replaced by C.
Molecular consequence: intron variant. On other transcripts: missense variant (1), initiator codon variant (1).
Genome position (GRCh38, 1-based): chr3:60,014,216, A>G on the plus strand (T>C on the coding strand, the complement: FHIT is on the minus strand). VCF-style: chr3-60014216-A-G. GRCh37 (hg19) VCF-style: chr3-59999942-A-G.
Other names: c.2T>C, p.Met1Thr (NM_001320901.2); c.104-64T>C (NM_001354589.2, NM_001354590.2, NM_001166243.3 and 2 more transcripts); short protein forms M1T.
Identifiers: ClinVar variation 3056428 (VCV003056428.2), dbSNP rs112639626, ClinGen allele CA75518039.